The following is an entry in ClinVar:

ClinVar aggregate classification (germline): Pathogenic (1 of 4 stars; one submission).

Conditions:
Neurofibromatosis, type 1 (NF1). Also called: VON RECKLINGHAUSEN DISEASE; Peripheral type neurofibromatosis; NEUROFIBROMATOSIS, TYPE I, SOMATIC; Neurofibromatosis, type I. Identifiers: Orphanet 636, MedGen C0027831, MONDO:0018975, OMIM 162200. Disease mechanism: loss of function.

Submission:

Labcorp Genetics (formerly Invitae), Labcorp
Classification: Pathogenic for Neurofibromatosis, type 1. Last evaluated: 2024-05-27. Review status: criteria provided, single submitter. Criteria: Invitae Variant Classification Sherloc (09022015). Collection method: clinical testing. Allele origin: germline.
Comment: This sequence change creates a premature translational stop signal (p.Asn1660Thrfs*17) in the NF1 gene. It is expected to result in an absent or disrupted protein product. Loss-of-function variants in NF1 are known to be pathogenic (PMID: 10712197, 23913538). This variant is not present in population databases (gnomAD no frequency). This variant has not been reported in the literature in individuals affected with NF1-related conditions. For these reasons, this variant has been classified as Pathogenic.

Literature cited by the submitters: PubMed 10712197; PubMed 23913538.

NM_001042492.3(NF1):c.5042del (p.Asn1681fs)

Gene: NF1 (neurofibromin 1; plus strand). Cytogenetic location: 17q11.2.
Variant type: Deletion.
Coding change: c.5042del on transcript NM_001042492.3 (MANE Select); coding-DNA position 5042, one base deleted (A; older notation c.5042delA).
Protein change: p.Asn1681fs; shifts the reading frame from asparagine 1681.
Molecular consequence: frameshift variant.
Genome position (GRCh38, 1-based): chr17:31,326,026, A deleted; the last of 2 consecutive A bases (chr17:31,326,025-31,326,026); deleting either gives the same sequence. VCF-style (leftmost placement, unchanged base first): chr17-31326024-TA-T. GRCh37 (hg19) VCF-style: chr17-29653042-TA-T.
Other names: c.4979delA, p.Asn1660Thrfs (NM_000267.4); short protein forms N1660fs, N1681fs.
Identifiers: ClinVar variation 3635691 (VCV003635691.2).